The following is an entry in ClinVar:

ClinVar aggregate classification (germline): Benign/Likely benign. Review status: criteria provided, multiple submitters, no conflicts (2 of 4 stars). 3 submissions from 3 submitters: Benign (1); Likely benign (2). Last evaluated 2025-06-05.

Conditions:
Hereditary cancer-predisposing syndrome. Also called: Tumor predisposition; Neoplastic Syndromes, Hereditary; Hereditary Cancer Syndrome; Hereditary neoplastic syndrome. Identifiers: Orphanet 140162, MedGen C0027672, MeSH D009386, MONDO:0015356.
Ataxia-telangiectasia syndrome (AT). Also called: ATAXIA-TELANGIECTASIA, COMPLEMENTATION GROUP A; ATAXIA-TELANGIECTASIA, FRESNO VARIANT; Ataxia-telangiectasia; Ataxia-telangiectasia, complementation group D; AT, COMPLEMENTATION GROUP C; Ataxia-telangiectasia, complementation group E. Identifiers: Orphanet 100, MedGen C0004135, MONDO:0008840, OMIM 208900.
Familial cancer of breast. Also called: Hereditary breast cancer; BREAST CANCER, FAMILIAL; hereditary breast carcinoma. Identifiers: Orphanet 227535, MedGen C0346153, MONDO:0016419, OMIM 114480. Disease mechanism: loss of function.

Allele frequency attached by ClinVar (database versions not stated): gnomAD exomes below 0.00001.
gnomAD v4.1: 1 of 1,610,338 alleles (0.000062%); highest among the groups gnomAD compares: African/African-American, 0.0013%; no homozygotes.

Submissions (3):

Ambry Genetics
Classification: Likely benign for Hereditary cancer-predisposing syndrome. Last evaluated: 2025-06-05. Review status: criteria provided, single submitter. Criteria: Ambry Variant Classification Scheme 2023. Collection method: clinical testing. Allele origin: germline.

Labcorp Genetics (formerly Invitae), Labcorp
Classification: Likely benign for Ataxia-telangiectasia syndrome. Last evaluated: 2025-05-06. Review status: criteria provided, single submitter. Criteria: Invitae Variant Classification Sherloc (09022015). Collection method: clinical testing. Allele origin: germline.

Myriad Genetics, Inc.
Classification: Benign for Familial cancer of breast. Last evaluated: 2024-06-18. Review status: criteria provided, single submitter. Criteria: Myriad Autosomal Dominant, Autosomal Recessive and X-Linked Classification Criteria (2023). Collection method: clinical testing. Allele origin: unknown.
Comment: This variant is considered benign. This variant is a silent/synonymous amino acid change and it is not expected to impact splicing.

NM_000051.4(ATM):c.7992C>T (p.Val2664=)

Genes: ATM (ATM serine/threonine kinase; plus strand), C11orf65 (chromosome 11 open reading frame 65; minus strand). Cytogenetic location: 11q22.3.
Variant type: single nucleotide variant.
Coding change: c.7992C>T on transcript NM_000051.4 (MANE Select); coding-DNA position 7992, C replaced by T.
Protein change: p.Val2664=; no amino-acid change (valine 2664 retained).
Molecular consequence: synonymous variant. On other transcripts: intron variant (2).
Genome position (GRCh38, 1-based): chr11:108,333,950, C>T. VCF-style: chr11-108333950-C-T. GRCh37 (hg19) VCF-style: chr11-108204677-C-T.
Other names: c.*38+1270G>A (NM_001351110.2); c.7992C>T, p.Val2664= (NM_001351834.2); c.641-24879G>A (NM_001330368.2).
Identifiers: ClinVar variation 797964 (VCV000797964.13), dbSNP rs1591184637, ClinGen allele CA476677592.